The following is an entry in ClinVar:

NM_152383.5(DIS3L2):c.1731G>C (p.Glu577Asp)

Gene: DIS3L2 (DIS3 like 3'-5' exoribonuclease 2; plus strand). Cytogenetic location: 2q37.1.
Variant type: single nucleotide variant.
Coding change: c.1731G>C on transcript NM_152383.5 (MANE Select); coding-DNA position 1731, G replaced by C.
Protein change: p.Glu577Asp; replaces glutamic acid 577 with aspartic acid.
Molecular consequence: missense variant. On other transcripts: non-coding transcript variant (2), intron variant (1).
Genome position (GRCh38, 1-based): chr2:232,300,111, G>C. VCF-style: chr2-232300111-G-C. GRCh37 (hg19) VCF-style: chr2-233164821-G-C.
Other names: c.1581+36749G>C (NM_001257281.2); short protein forms E577D.
Identifiers: ClinVar variation 896981 (VCV000896981.13), dbSNP rs1694818817, ClinGen allele CA350978737.
Genomic context (GRCh38, chr2:232,300,111, plus strand): 5'-TTTCACTCTGGACCACGAGACCGGATTGCCTCAAGGATGTCATATCTATGAGTACCGCGA[G>C]AGCAACAAGTAAGCCACTCAGTGGGAAAGAGTGTCACTTCACATGTGTGCAGCAGTGGTG-3'
Protein context (NP_689596.4, residues 567-587): PQGCHIYEYR[Glu577Asp]SNKLVEEFML

ClinVar aggregate classification (germline): Uncertain significance. Review status: criteria provided, multiple submitters, no conflicts (2 of 4 stars). 2 submissions from 2 submitters: Uncertain significance (2). Last evaluated 2023-02-26.

Conditions:
Perlman syndrome (PRLMNS). Identifiers: Orphanet 2849, MedGen C0796113, MONDO:0009965, OMIM 267000.

Allele frequency attached by ClinVar (database versions not stated): gnomAD exomes 0.00002.
gnomAD v4.1: 28 of 1,613,650 alleles (0.0017%); highest among the groups gnomAD compares: Non-Finnish European, 0.0024%; no homozygotes.

Submissions (2):

Labcorp Genetics (formerly Invitae), Labcorp
Classification: Uncertain significance for Perlman syndrome. Last evaluated: 2023-02-26. Review status: criteria provided, single submitter. Criteria: Invitae Variant Classification Sherloc (09022015). Collection method: clinical testing. Allele origin: germline.
Comment: This sequence change replaces glutamic acid, which is acidic and polar, with aspartic acid, which is acidic and polar, at codon 577 of the DIS3L2 protein (p.Glu577Asp). This variant is not present in population databases (gnomAD no frequency). This variant has not been reported in the literature in individuals affected with DIS3L2-related conditions. ClinVar contains an entry for this variant (Variation ID: 896981). Advanced modeling of protein sequence and biophysical properties (such as structural, functional, and spatial information, amino acid conservation, physicochemical variation, residue mobility, and thermodynamic stability) performed at Invitae indicates that this missense variant is not expected to disrupt DIS3L2 protein function. In summary, the available evidence is currently insufficient to determine the role of this variant in disease. Therefore, it has been classified as a Variant of Uncertain Significance.

Illumina Laboratory Services, Illumina
Classification: Uncertain significance for Perlman syndrome. Last evaluated: 2018-01-12. Review status: criteria provided, single submitter. Criteria: ICSL Variant Classification Criteria 13 December 2019. Collection method: clinical testing. Allele origin: germline.